The following is an entry in ClinVar:

ClinVar aggregate classification (germline): Uncertain significance (1 of 4 stars; one submission).

Conditions:
Hyperkalemic periodic paralysis. Also called: Familial hyperkalemic periodic paralysis; Gamstorp disease. Identifiers: Orphanet 682, MedGen C0238357, MONDO:0008224, OMIM 170500, HP:0007215.

Submission:

Labcorp Genetics (formerly Invitae), Labcorp
Classification: Uncertain significance for Hyperkalemic periodic paralysis. Last evaluated: 2022-07-25. Review status: criteria provided, single submitter. Criteria: Invitae Variant Classification Sherloc (09022015). Collection method: clinical testing. Allele origin: germline.
Comment: In summary, the available evidence is currently insufficient to determine the role of this variant in disease. Therefore, it has been classified as a Variant of Uncertain Significance. Algorithms developed to predict the effect of missense changes on protein structure and function are either unavailable or do not agree on the potential impact of this missense change (SIFT: "Deleterious"; PolyPhen-2: "Benign"; Align-GVGD: "Class C35"). This variant has not been reported in the literature in individuals affected with SCN4A-related conditions. This variant is not present in population databases (gnomAD no frequency). This sequence change replaces histidine, which is basic and polar, with tyrosine, which is neutral and polar, at codon 896 of the SCN4A protein (p.His896Tyr).

NM_000334.4(SCN4A):c.2686C>T (p.His896Tyr)

Genes: GH-LCR (growth hormone locus control region; plus strand), SCN4A (sodium voltage-gated channel alpha subunit 4; minus strand). Cytogenetic location: 17q23.3.
Variant type: single nucleotide variant.
Coding change: c.2686C>T on transcript NM_000334.4 (MANE Select); coding-DNA position 2686, C replaced by T.
Protein change: p.His896Tyr; replaces histidine 896 with tyrosine.
Molecular consequence: missense variant.
Genome position (GRCh38, 1-based): chr17:63,951,591, G>A on the plus strand (C>T on the coding strand, the complement: SCN4A is on the minus strand). VCF-style: chr17-63951591-G-A. GRCh37 (hg19) VCF-style: chr17-62028951-G-A.
Other names: short protein forms H896Y.
Identifiers: ClinVar variation 1997256 (VCV001997256.4), dbSNP rs1164765942, ClinGen allele CA400625724.
Genomic context (GRCh38, chr17:63,951,591, plus strand): 5'-TGATGAAGTTAAGGTGGTCCAGCTCGAGGCTGGATGGGGGGCCGTCAGCCAGGCCCATGT[G>A]GTTCAGGATGTGATTGTCCTTCTTCAGGTCCTCCTCGGGCGGCTCCTTCTTCTCATCCTC-3'
Protein context (NP_000325.4, residues 886-906): DLKKDNHILN[His896Tyr]MGLADGPPSS